The following is an entry in ClinVar:

NM_198525.3(KIF7):c.96C>T (p.His32=)

Gene: KIF7 (kinesin family member 7; minus strand). Cytogenetic location: 15q26.1.
Variant type: single nucleotide variant.
Coding change: c.96C>T on transcript NM_198525.3 (MANE Select); coding-DNA position 96, C replaced by T.
Protein change: p.His32=; no amino-acid change (histidine 32 retained).
Molecular consequence: synonymous variant.
Genome position (GRCh38, 1-based): chr15:89,652,835, G>A on the plus strand (C>T on the coding strand, the complement: KIF7 is on the minus strand). VCF-style: chr15-89652835-G-A. GRCh37 (hg19) VCF-style: chr15-90196066-G-A.
Identifiers: ClinVar variation 263156 (VCV000263156.32), dbSNP rs368482949, ClinGen allele CA7728688.

ClinVar aggregate classification (germline): Likely benign. Review status: criteria provided, multiple submitters, no conflicts (2 of 4 stars). 4 submissions from 4 submitters: Likely benign (4). Last evaluated 2025-11-19.

Conditions:
Acrocallosal syndrome (ACLS). Also called: HALLUX DUPLICATION, POSTAXIAL POLYDACTYLY, AND ABSENCE OF CORPUS CALLOSUM; Schinzel syndrome 1; Absence of corpus callosum with unusual facial appearance, mental deficiency, duplication of the halluces and polydactyly. Identifiers: Orphanet 36, MedGen C0796147, MONDO:0008708, OMIM 200990.

Allele frequency attached by ClinVar (database versions not stated): 1000 Genomes Project 30x 0.00016; gnomAD exomes 0.00017 and 0.00027; 1000 Genomes Project 0.00020; gnomAD 0.00022; TOPMed 0.00025; ExAC 0.00028; ESP Exome Variant Server 0.00044.
gnomAD v4.1: 411 of 1,549,986 alleles (0.027%); highest among the groups gnomAD compares: Non-Finnish European, 0.033%; no homozygotes.

Submissions (4):

Labcorp Genetics (formerly Invitae), Labcorp
Classification: Likely benign for Acrocallosal syndrome. Last evaluated: 2025-11-19. Review status: criteria provided, single submitter. Criteria: Invitae Variant Classification Sherloc (09022015). Collection method: clinical testing. Allele origin: germline.

CeGaT Center for Human Genetics Tuebingen
Classification: Likely benign. Last evaluated: 2025-08-01. Review status: criteria provided, single submitter. Criteria: CeGaT Center For Human Genetics Tuebingen Variant Classification Criteria Version 2. Collection method: clinical testing. Allele origin: germline. Affected: yes. Observed: 3 variant alleles.
Comment: KIF7: BP4, BP7

Blueprint Genetics
Classification: Likely benign. Last evaluated: 2024-11-14. Review status: criteria provided, single submitter. Criteria: ACMG Guidelines, 2015. Collection method: clinical testing. Allele origin: germline.

PreventionGenetics, part of Exact Sciences
Classification: Likely benign. Review status: criteria provided, single submitter. Criteria: ACMG Guidelines, 2015. Collection method: clinical testing. Allele origin: germline.